The following is an entry in ClinVar:

ClinVar aggregate classification (germline): Uncertain significance (1 of 4 stars; one submission).

Submission:

Labcorp Genetics (formerly Invitae), Labcorp
Classification: Uncertain significance. Last evaluated: 2024-06-04. Review status: criteria provided, single submitter. Criteria: Invitae Variant Classification Sherloc (09022015). Collection method: clinical testing. Allele origin: germline.
Comment: This sequence change replaces valine, which is neutral and non-polar, with isoleucine, which is neutral and non-polar, at codon 509 of the CYFIP2 protein (p.Val509Ile). This variant is present in population databases (rs372630008, gnomAD 0.007%). This variant has not been reported in the literature in individuals affected with CYFIP2-related conditions. Experimental studies and prediction algorithms are not available or were not evaluated, and the functional significance of this variant is currently unknown. In summary, the available evidence is currently insufficient to determine the role of this variant in disease. Therefore, it has been classified as a Variant of Uncertain Significance.

NM_001037333.3(CYFIP2):c.1525G>A (p.Val509Ile)

Gene: CYFIP2 (cytoplasmic FMR1 interacting protein 2; plus strand). Cytogenetic location: 5q33.3.
Variant type: single nucleotide variant.
Coding change: c.1525G>A on transcript NM_001037333.3 (MANE Select); coding-DNA position 1525, G replaced by A.
Protein change: p.Val509Ile; replaces valine 509 with isoleucine.
Molecular consequence: missense variant.
Genome position (GRCh38, 1-based): chr5:157,320,656, G>A. VCF-style: chr5-157320656-G-A. GRCh37 (hg19) VCF-style: chr5-156747664-G-A.
Other names: c.1447G>A, p.Val483Ile (NM_001291721.2); c.1525G>A, p.Val509Ile (NM_001291722.2, NM_014376.4); short protein forms V483I, V509I.
Identifiers: ClinVar variation 3607502 (VCV003607502.2).